The following is an entry in ClinVar:

NM_144997.7(FLCN):c.245_246delinsCT (p.Cys82Ser)

Gene: FLCN (folliculin; minus strand). Cytogenetic location: 17p11.2.
Variant type: Indel.
Coding change: c.245_246delinsCT on transcript NM_144997.7 (MANE Select); coding-DNA positions 245 to 246, GC replaced by CT.
Protein change: p.Cys82Ser; replaces cysteine 82 with serine.
Molecular consequence: missense variant.
Genome position (GRCh38, 1-based): chr17:17,227,892-17,227,893, GC replaced by AG on the plus strand (GC replaced by CT on the coding strand, the reverse complement: FLCN is on the minus strand). VCF-style: chr17-17227892-GC-AG. GRCh37 (hg19) VCF-style: chr17-17131206-GC-AG.
Other names: c.245_246delinsCT, p.Cys82Ser (NM_001353229.2, NM_001353230.2, NM_001353231.2 and 1 more transcripts); short protein forms C82S.
Identifiers: ClinVar variation 3724976 (VCV003724976.2).

ClinVar aggregate classification (germline): Uncertain significance (1 of 4 stars; one submission).

Conditions:
Birt-Hogg-Dube syndrome. Also called: Birt Hogg Dubé syndrome. Identifiers: Orphanet 122, MedGen C0346010, MONDO:0800444.

Submission:

Labcorp Genetics (formerly Invitae), Labcorp
Classification: Uncertain significance for Birt-Hogg-Dube syndrome. Last evaluated: 2024-11-11. Review status: criteria provided, single submitter. Criteria: Invitae Variant Classification Sherloc (09022015). Collection method: clinical testing. Allele origin: germline.
Comment: This sequence change replaces cysteine, which is neutral and slightly polar, with serine, which is neutral and polar, at codon 82 of the FLCN protein (p.Cys82Ser). Information on the frequency of this variant in the gnomAD database is not available, as this variant may be reported differently in the database. This variant has not been reported in the literature in individuals affected with FLCN-related conditions. An algorithm developed to predict the effect of missense changes on protein structure and function (PolyPhen-2) suggests that this variant is likely to be tolerated. In summary, the available evidence is currently insufficient to determine the role of this variant in disease. Therefore, it has been classified as a Variant of Uncertain Significance.